The following is an entry in ClinVar:

NM_001492.6(GDF1):c.815T>A (p.Leu272Gln)

Genes: CERS1 (ceramide synthase 1; minus strand), GDF1 (growth differentiation factor 1; minus strand). Cytogenetic location: 19p13.11.
Variant type: single nucleotide variant.
Coding change: c.815T>A on transcript NM_001492.6 (MANE Select); coding-DNA position 815, T replaced by A.
Protein change: p.Leu272Gln; replaces leucine 272 with glutamine.
Molecular consequence: missense variant. On other transcripts: 3 prime UTR variant (2).
Genome position (GRCh38, 1-based): chr19:18,868,901, A>T on the plus strand (T>A on the coding strand, the complement: GDF1 is on the minus strand). VCF-style: chr19-18868901-A-T. GRCh37 (hg19) VCF-style: chr19-18979710-A-T.
Other names: c.*1676T>A (NM_001387440.1); c.*1084T>A (NM_021267.5); c.815T>A, p.Leu272Gln (NM_001387438.1); short protein forms L272Q.
Identifiers: ClinVar variation 5037277 (VCV005037277.1).
Genomic context (GRCh38, chr19:18,868,901, plus strand): 5'-AGGAAGCCGCGCGGCGCGATGACCCAGCGGTGCCAGCCCACCTCGCGGAAGCTCACGTAC[A>T]GCCGCCGCGCGCGACAAGCGCCCCCGGGGCCGCCGCCCAACACGGGTTCGGCGTCGCGCC-3'
Protein context (NP_001483.3, residues 262-282): GPGGACRARR[Leu272Gln]YVSFREVGWH

ClinVar aggregate classification (germline): Uncertain significance (1 of 4 stars; one submission).

gnomAD v4.1: 1 of 1,396,908 alleles (0.000072%); highest among the groups gnomAD compares: Non-Finnish European, 0.000094%; no homozygotes.

Submission:

GeneDx
Classification: Uncertain significance. Last evaluated: 2026-04-16. Review status: criteria provided, single submitter. Criteria: GeneDx Variant Classification Process June 2021. Collection method: clinical testing. Allele origin: germline.
Comment: Not observed at significant frequency in large population cohorts (gnomAD); In silico analysis supports that this missense variant has a deleterious effect on protein structure/function; Has not been previously published as pathogenic or benign to our knowledge